The following is an entry in ClinVar:

NM_004407.4(DMP1):c.1034A>T (p.Asn345Ile)

Genes: DMP1 (dentin matrix acidic phosphoprotein 1; plus strand), DMP1-AS1 (DMP1 and DSPP antisense RNA 1; minus strand). Cytogenetic location: 4q22.1.
Variant type: single nucleotide variant.
Coding change: c.1034A>T on transcript NM_004407.4 (MANE Select); coding-DNA position 1034, A replaced by T.
Protein change: p.Asn345Ile; replaces asparagine 345 with isoleucine.
Molecular consequence: missense variant.
Genome position (GRCh38, 1-based): chr4:87,662,812, A>T. VCF-style: chr4-87662812-A-T. GRCh37 (hg19) VCF-style: chr4-88583964-A-T.
Other names: c.986A>T, p.Asn329Ile (NM_001079911.3); short protein forms N345I, N329I.
Identifiers: ClinVar variation 1998594 (VCV001998594.4), dbSNP rs2475945166, ClinGen allele CA357700317.

ClinVar aggregate classification (germline): Uncertain significance (1 of 4 stars; one submission).

Submission:

Labcorp Genetics (formerly Invitae), Labcorp
Classification: Uncertain significance. Last evaluated: 2022-05-25. Review status: criteria provided, single submitter. Criteria: Invitae Variant Classification Sherloc (09022015). Collection method: clinical testing. Allele origin: germline.
Comment: In summary, the available evidence is currently insufficient to determine the role of this variant in disease. Therefore, it has been classified as a Variant of Uncertain Significance. Algorithms developed to predict the effect of missense changes on protein structure and function are either unavailable or do not agree on the potential impact of this missense change (SIFT: "Tolerated"; PolyPhen-2: "Possibly Damaging"; Align-GVGD: "Class C0"). This variant has not been reported in the literature in individuals affected with DMP1-related conditions. This variant is not present in population databases (gnomAD no frequency). This sequence change replaces asparagine, which is neutral and polar, with isoleucine, which is neutral and non-polar, at codon 345 of the DMP1 protein (p.Asn345Ile).